The following is an entry in ClinVar:

ClinVar aggregate classification (germline): Benign. Review status: criteria provided, multiple submitters, no conflicts (2 of 4 stars). 2 submissions from 2 submitters: Benign (2). Last evaluated 2018-01-12.

Conditions:
Nail-patella syndrome (NPS). Also called: FONG DISEASE; ONYCHOOSTEODYSPLASIA; TURNER-KIESER SYNDROME. Identifiers: Orphanet 2614, MedGen C0027341, MONDO:0008061, OMIM 161200.

Allele frequency attached by ClinVar (database versions not stated): 1000 Genomes Project 30x 0.21127; 1000 Genomes Project 0.21805; TOPMed 0.23811; gnomAD 0.24353 and 0.24736; gnomAD exomes 0.27404.
gnomAD v4.1: 42,621 of 169,664 alleles (25%); highest among the groups gnomAD compares: Middle Eastern, 39%; 6,232 homozygotes.

Submissions (2):

Illumina Laboratory Services, Illumina
Classification: Benign for Nail-patella syndrome. Last evaluated: 2018-01-12. Review status: criteria provided, single submitter. Criteria: ICSL Variant Classification Criteria 13 December 2019. Collection method: clinical testing. Allele origin: germline.
Comment: This variant was observed in the ICSL laboratory as part of a predisposition screen in an ostensibly healthy population. It had not been previously curated by ICSL or reported in the Human Gene Mutation Database (HGMD: prior to June 1st, 2018), and was therefore a candidate for classification through an automated scoring system. Utilizing variant allele frequency, disease prevalence and penetrance estimates, and inheritance mode, an automated score was calculated to assess if this variant is too frequent to cause the disease. Based on the score and internal cut-off values, a variant classified as benign is not then subjected to further curation. The score for this variant resulted in a classification of benign for this disease.

Breakthrough Genomics
Classification: Benign. Review status: criteria provided, single submitter. Criteria: ACMG Guidelines, 2015. Collection method: not provided. Allele origin: germline. Inheritance: Autosomal dominant inheritance. Affected: yes.

NM_001174147.2(LMX1B):c.*584C>T

Gene: LMX1B (LIM homeobox transcription factor 1 beta; plus strand). Cytogenetic location: 9q33.3.
Variant type: single nucleotide variant.
Coding change: c.*584C>T on transcript NM_001174147.2 (MANE Select); 584 bases downstream of the stop codon, C replaced by T.
Molecular consequence: 3 prime UTR variant.
Genome position (GRCh38, 1-based): chr9:126,697,035, C>T. VCF-style: chr9-126697035-C-T. GRCh37 (hg19) VCF-style: chr9-129459314-C-T.
Other names: c.*584C>T (NM_001174146.2, NM_002316.4).
Identifiers: ClinVar variation 364909 (VCV000364909.6), dbSNP rs34200683, ClinGen allele CA10628925.